The following is an entry in ClinVar:

ClinVar aggregate classification (germline): Benign. Review status: criteria provided, multiple submitters, no conflicts (2 of 4 stars). 3 submissions from 3 submitters: Benign (2). 1 of the submissions does not count toward it. Last evaluated 2018-04-10.

Conditions:
GALNTL5-related disorder. Also called: GALNTL5-related condition.

Allele frequency attached by ClinVar (database versions not stated): 1000 Genomes Project 0.01078; TOPMed 0.01109; 1000 Genomes Project 30x 0.01140; ESP Exome Variant Server 0.01346.
gnomAD v4.1: 3,731 of 1,585,604 alleles (0.24%); highest among the groups gnomAD compares: African/African-American, 3.7%; 58 homozygotes.

Submissions (3):

Labcorp Genetics (formerly Invitae), Labcorp
Classification: Benign. Last evaluated: 2018-04-10. Review status: criteria provided, single submitter. Criteria: Invitae Variant Classification Sherloc (09022015). Collection method: clinical testing. Allele origin: germline.

Breakthrough Genomics
Classification: Benign. Review status: criteria provided, single submitter. Criteria: ACMG Guidelines, 2015. Collection method: not provided. Allele origin: germline. Inheritance: Unknown mechanism. Affected: yes.

PreventionGenetics, part of Exact Sciences
Classification: Benign for GALNTL5-related condition. Last evaluated: 2020-03-03. Review status: no assertion criteria provided. Collection method: clinical testing. Allele origin: germline. Not counted in ClinVar's aggregate classification.
Comment: This variant is classified as benign based on ACMG/AMP sequence variant interpretation guidelines (Richards et al. 2015 PMID: 25741868, with internal and published modifications).

NM_145292.4(GALNTL5):c.538G>T (p.Asp180Tyr)

Gene: GALNTL5 (polypeptide N-acetylgalactosaminyltransferase like 5; plus strand). Cytogenetic location: 7q36.1.
Variant type: single nucleotide variant.
Coding change: c.538G>T on transcript NM_145292.4 (MANE Select); coding-DNA position 538, G replaced by T.
Protein change: p.Asp180Tyr; replaces aspartic acid 180 with tyrosine.
Molecular consequence: missense variant. On other transcripts: non-coding transcript variant (1).
Genome position (GRCh38, 1-based): chr7:151,987,161, G>T. VCF-style: chr7-151987161-G-T. GRCh37 (hg19) VCF-style: chr7-151684246-G-T.
Other names: short protein forms D180Y.
Identifiers: ClinVar variation 712689 (VCV000712689.6), dbSNP rs61729494, ClinGen allele CA4577451.